The following is an entry in ClinVar:

NM_206933.4(USH2A):c.1169T>G (p.Phe390Cys)

Gene: USH2A (usherin; minus strand). Cytogenetic location: 1q41.
Variant type: single nucleotide variant.
Coding change: c.1169T>G on transcript NM_206933.4 (MANE Select); coding-DNA position 1169, T replaced by G.
Protein change: p.Phe390Cys; replaces phenylalanine 390 with cysteine.
Molecular consequence: missense variant.
Genome position (GRCh38, 1-based): chr1:216,324,327, A>C on the plus strand (T>G on the coding strand, the complement: USH2A is on the minus strand). VCF-style: chr1-216324327-A-C. GRCh37 (hg19) VCF-style: chr1-216497669-A-C.
Other names: c.1169T>G, p.Phe390Cys (NM_007123.6); short protein forms F390C.
Identifiers: ClinVar variation 1056863 (VCV001056863.10), dbSNP rs2037685279, ClinGen allele CA344912084.
Genomic context (GRCh38, chr1:216,324,327, plus strand): 5'-TCCCAATCTAAACTATTTTCCTTCTTCCTTTGAATCCTTATTTCCGTTGGTTGTGGACTA[A>C]AGAACTGAATGATAATATAAAACACCTGAAAATGGAAAGTTAATTAATGTAATTAAAGTT-3'
Protein context (NP_996816.3, residues 380-400): YQVFYIIIQF[Phe390Cys]SPQPTEIRIQ

ClinVar aggregate classification (germline): Uncertain significance. Review status: criteria provided, multiple submitters, no conflicts (2 of 4 stars). 2 submissions from 2 submitters: Uncertain significance (2). Last evaluated 2023-07-07.

Allele frequency attached by ClinVar (database versions not stated): gnomAD exomes below 0.00001; TOPMed below 0.00001; gnomAD 0.00001.

Submissions (2):

Blueprint Genetics
Classification: Uncertain significance. Last evaluated: 2023-07-07. Review status: criteria provided, single submitter. Criteria: ACMG Guidelines, 2015. Collection method: clinical testing. Allele origin: germline.

Labcorp Genetics (formerly Invitae), Labcorp
Classification: Uncertain significance. Last evaluated: 2020-01-23. Review status: criteria provided, single submitter. Criteria: Invitae Variant Classification Sherloc (09022015). Collection method: clinical testing. Allele origin: germline.
Comment: In summary, the available evidence is currently insufficient to determine the role of this variant in disease. Therefore, it has been classified as a Variant of Uncertain Significance. Algorithms developed to predict the effect of missense changes on protein structure and function are either unavailable or do not agree on the potential impact of this missense change (SIFT: "Tolerated"; PolyPhen-2: "Possibly Damaging"; Align-GVGD: "Class C0"). This variant has not been reported in the literature in individuals with USH2A-related conditions. This variant is not present in population databases (ExAC no frequency). This sequence change replaces phenylalanine with cysteine at codon 390 of the USH2A protein (p.Phe390Cys). The phenylalanine residue is weakly conserved and there is a large physicochemical difference between phenylalanine and cysteine.